The following is an entry in ClinVar:

NM_003793.4(CTSF):c.613C>T (p.Arg205Trp)

Gene: CTSF (cathepsin F; minus strand). Cytogenetic location: 11q13.2.
Variant type: single nucleotide variant.
Coding change: c.613C>T on transcript NM_003793.4 (MANE Select); coding-DNA position 613, C replaced by T.
Protein change: p.Arg205Trp; replaces arginine 205 with tryptophan.
Molecular consequence: missense variant.
Genome position (GRCh38, 1-based): chr11:66,566,399, G>A on the plus strand (C>T on the coding strand, the complement: CTSF is on the minus strand). VCF-style: chr11-66566399-G-A. GRCh37 (hg19) VCF-style: chr11-66333870-G-A.
Other names: short protein forms R205W.
Identifiers: ClinVar variation 1189861 (VCV001189861.11), dbSNP rs568250930, ClinGen allele CA6125500.

ClinVar aggregate classification (germline): Uncertain significance. Review status: criteria provided, multiple submitters, no conflicts (2 of 4 stars). 3 submissions from 3 submitters: Uncertain significance (3). Last evaluated 2024-03-04.

Conditions:
Neuronal ceroid lipofuscinosis 13 (CLN13). Also called: CLN13 Disease; CEROID LIPOFUSCINOSIS, NEURONAL, 13 (KUFS TYPE). Identifiers: Orphanet 352709, Orphanet 79262, MedGen C3715049, MONDO:0014147, OMIM 615362.
Inborn genetic diseases. Identifiers: MedGen C0950123, MeSH D030342.

Allele frequency attached by ClinVar (database versions not stated): gnomAD exomes 0.00002 and 0.00004; TOPMed 0.00002; gnomAD 0.00003 and 0.00004; ExAC 0.00004; 1000 Genomes Project 30x 0.00031; 1000 Genomes Project 0.00040.
gnomAD v4.1: 31 of 1,613,836 alleles (0.0019%); highest among the groups gnomAD compares: South Asian, 0.015%; no homozygotes.

Submissions (3):

Labcorp Genetics (formerly Invitae), Labcorp
Classification: Uncertain significance for Neuronal ceroid lipofuscinosis 13. Last evaluated: 2024-03-04. Review status: criteria provided, single submitter. Criteria: Invitae Variant Classification Sherloc (09022015). Collection method: clinical testing. Allele origin: germline.
Comment: This sequence change replaces arginine, which is basic and polar, with tryptophan, which is neutral and slightly polar, at codon 205 of the CTSF protein (p.Arg205Trp). This variant is present in population databases (rs568250930, gnomAD 0.02%). This variant has not been reported in the literature in individuals affected with CTSF-related conditions. ClinVar contains an entry for this variant (Variation ID: 1189861). Advanced modeling of protein sequence and biophysical properties (such as structural, functional, and spatial information, amino acid conservation, physicochemical variation, residue mobility, and thermodynamic stability) performed at Invitae indicates that this missense variant is not expected to disrupt CTSF protein function with a negative predictive value of 80%. In summary, the available evidence is currently insufficient to determine the role of this variant in disease. Therefore, it has been classified as a Variant of Uncertain Significance.

Ambry Genetics
Classification: Uncertain significance for Inborn genetic diseases. Last evaluated: 2021-03-22. Review status: criteria provided, single submitter. Criteria: Ambry Variant Classification Scheme 2023. Collection method: clinical testing. Allele origin: germline.
Comment: The c.613C>T (p.R205W) alteration is located in exon 5 (coding exon 5) of the CTSF gene. This alteration results from a C to T substitution at nucleotide position 613, causing the arginine (R) at amino acid position 205 to be replaced by a tryptophan (W). The p.R205W alteration is predicted to be tolerated by in silico analysis. Based on insufficient or conflicting evidence, the clinical significance of this alteration remains unclear.

GeneDx
Classification: Uncertain significance. Last evaluated: 2021-01-14. Review status: criteria provided, single submitter. Criteria: GeneDx Variant Classification Process June 2021. Collection method: clinical testing. Allele origin: germline. Affected: yes.
Comment: In silico analysis supports that this missense variant has a deleterious effect on protein structure/function; Has not been previously published as pathogenic or benign to our knowledge